The following is an entry in ClinVar:

ClinVar aggregate classification (germline): Benign/Likely benign. Review status: criteria provided, multiple submitters, no conflicts (2 of 4 stars). 4 submissions from 4 submitters: Benign (1); Likely benign (2). 1 of the submissions does not count toward it. Last evaluated 2026-01-20.

Conditions:
Alpha thalassemia-X-linked intellectual disability syndrome (ATRX). Also called: ALPHA-THALASSEMIA/MENTAL RETARDATION SYNDROME, X-LINKED; ATR, NONDELETION TYPE; ALPHA-THALASSEMIA/IMPAIRED INTELLECTUAL DEVELOPMENT SYNDROME, X-LINKED; X-linked alpha-thalassemia-mental retardation syndrome; ATR-X syndrome; Alpha thalassemia mental retardation syndrome, nondeletion type, X-linked. Identifiers: Orphanet 847, MedGen C1845055, MONDO:0010519, OMIM 301040.
ATRX-related disorder. Also called: ATRX-related condition.

Allele frequency attached by ClinVar (database versions not stated): gnomAD exomes 0.00008 and 0.00014; ESP Exome Variant Server 0.00009; TOPMed 0.00006; gnomAD 0.00008 and 0.00009; ExAC 0.00017; 1000 Genomes Project 0.00026; 1000 Genomes Project 30x 0.00021.
gnomAD v4.1: 158 of 1,210,018 alleles (0.013%); highest among the groups gnomAD compares: Non-Finnish European, 0.017%; no homozygotes.

Submissions (4):

Labcorp Genetics (formerly Invitae), Labcorp
Classification: Benign for Alpha thalassemia-X-linked intellectual disability syndrome. Last evaluated: 2026-01-20. Review status: criteria provided, single submitter. Criteria: Invitae Variant Classification Sherloc (09022015). Collection method: clinical testing. Allele origin: germline.

Blueprint Genetics
Classification: Likely benign. Last evaluated: 2024-11-06. Review status: criteria provided, single submitter. Criteria: ACMG Guidelines, 2015. Collection method: clinical testing. Allele origin: germline.

GeneDx
Classification: Likely benign. Last evaluated: 2020-04-13. Review status: criteria provided, single submitter. Criteria: GeneDx Variant Classification Process June 2021. Collection method: clinical testing. Allele origin: germline. Affected: yes.

PreventionGenetics, part of Exact Sciences
Classification: Likely benign for ATRX-related condition. Last evaluated: 2021-02-09. Review status: no assertion criteria provided. Collection method: clinical testing. Allele origin: germline. Not counted in ClinVar's aggregate classification.
Comment: This variant is classified as likely benign based on ACMG/AMP sequence variant interpretation guidelines (Richards et al. 2015 PMID: 25741868, with internal and published modifications).

NM_000489.6(ATRX):c.798C>T (p.Tyr266=)

Gene: ATRX (ATRX chromatin remodeler; minus strand). Cytogenetic location: Xq21.1.
Variant type: single nucleotide variant.
Coding change: c.798C>T on transcript NM_000489.6 (MANE Select); coding-DNA position 798, C replaced by T.
Protein change: p.Tyr266=; no amino-acid change (tyrosine 266 retained).
Molecular consequence: synonymous variant.
Genome position (GRCh38, 1-based): chrX:77,684,458, G>A on the plus strand (C>T on the coding strand, the complement: ATRX is on the minus strand). VCF-style: chrX-77684458-G-A. GRCh37 (hg19) VCF-style: chrX-76939950-G-A.
Other names: c.684C>T, p.Tyr228= (NM_138270.5).
Identifiers: ClinVar variation 533640 (VCV000533640.18), dbSNP rs376341197, ClinGen allele CA10458261.